The following is an entry in ClinVar:

NM_001330260.2(SCN8A):c.5713G>A (p.Ala1905Thr)

Gene: SCN8A (sodium voltage-gated channel alpha subunit 8; plus strand). Cytogenetic location: 12q13.13.
Variant type: single nucleotide variant.
Coding change: c.5713G>A on transcript NM_001330260.2 (MANE Select); coding-DNA position 5713, G replaced by A.
Protein change: p.Ala1905Thr; replaces alanine 1905 with threonine.
Molecular consequence: missense variant.
Genome position (GRCh38, 1-based): chr12:51,807,199, G>A. VCF-style: chr12-51807199-G-A. GRCh37 (hg19) VCF-style: chr12-52200983-G-A.
Other names: c.5590G>A, p.Ala1864Thr (NM_001369788.1, NM_001177984.3); c.5713G>A, p.Ala1905Thr (NM_014191.4); short protein forms A1864T, A1905T.
Identifiers: ClinVar variation 2703903 (VCV002703903.3), dbSNP rs1209537535, ClinGen allele CA384888767.

ClinVar aggregate classification (germline): Uncertain significance (1 of 4 stars; one submission).

Conditions:
Early-infantile DEE. Also called: Ohtahara syndrome; Early infantile epileptic encephalopathy with suppression bursts; Early infantile epileptic encephalopathy. Identifiers: Orphanet 1934, MedGen C0393706, MONDO:0800491.

Submission:

Labcorp Genetics (formerly Invitae), Labcorp
Classification: Uncertain significance for Early-infantile DEE. Last evaluated: 2023-12-18. Review status: criteria provided, single submitter. Criteria: Invitae Variant Classification Sherloc (09022015). Collection method: clinical testing. Allele origin: germline.
Comment: This sequence change replaces alanine, which is neutral and non-polar, with threonine, which is neutral and polar, at codon 1905 of the SCN8A protein (p.Ala1905Thr). This variant is not present in population databases (gnomAD no frequency). This variant has not been reported in the literature in individuals affected with SCN8A-related conditions. Advanced modeling of protein sequence and biophysical properties (such as structural, functional, and spatial information, amino acid conservation, physicochemical variation, residue mobility, and thermodynamic stability) performed at Invitae indicates that this missense variant is not expected to disrupt SCN8A protein function with a negative predictive value of 95%. In summary, the available evidence is currently insufficient to determine the role of this variant in disease. Therefore, it has been classified as a Variant of Uncertain Significance.